The following is an entry in ClinVar:

NM_182643.3(DLC1):c.3411C>G (p.Asn1137Lys)

Gene: DLC1 (DLC1 Rho GTPase activating protein; minus strand). Cytogenetic location: 8p22.
Variant type: single nucleotide variant.
Coding change: c.3411C>G on transcript NM_182643.3 (MANE Select); coding-DNA position 3411, C replaced by G.
Protein change: p.Asn1137Lys; replaces asparagine 1137 with lysine.
Molecular consequence: missense variant.
Genome position (GRCh38, 1-based): chr8:13,094,874, G>C on the plus strand (C>G on the coding strand, the complement: DLC1 is on the minus strand). VCF-style: chr8-13094874-G-C. GRCh37 (hg19) VCF-style: chr8-12952383-G-C.
Other names: c.1878C>G, p.Asn626Lys (NM_001164271.2, NM_001348082.2, NM_001348083.1 and 6 more transcripts); c.2202C>G, p.Asn734Lys (NM_001316668.2, NM_001413129.1); c.3411C>G, p.Asn1137Lys (NM_001348081.2, NM_001413124.1); c.2193C>G, p.Asn731Lys (NM_001413130.1); c.1851C>G, p.Asn617Lys (NM_001413131.1, NM_001413137.1); c.2337C>G, p.Asn779Lys (NM_001413132.1); c.2100C>G, p.Asn700Lys (NM_001413135.1, NM_001413136.1, NM_001413139.1 and 1 more transcripts); c.2235C>G, p.Asn745Lys (NM_001413140.1); short protein forms N1137K, N700K, N734K, N779K, N617K, N731K, N626K, N745K.
Identifiers: ClinVar variation 3502237 (VCV003502237.4).

ClinVar aggregate classification (germline): Uncertain significance. Review status: criteria provided, multiple submitters, no conflicts (2 of 4 stars). 3 submissions from 3 submitters: Uncertain significance (3). Last evaluated 2024-07-31.

gnomAD v4.1: 48 of 1,614,214 alleles (0.003%); highest among the groups gnomAD compares: Admixed American, 0.033%; no homozygotes.

Submissions (3):

Ambry Genetics
Classification: Uncertain significance. Last evaluated: 2024-07-31. Review status: criteria provided, single submitter. Criteria: Ambry Variant Classification Scheme 2023. Collection method: clinical testing. Allele origin: germline.

Labcorp Genetics (formerly Invitae), Labcorp
Classification: Uncertain significance. Last evaluated: 2024-07-01. Review status: criteria provided, single submitter. Criteria: Invitae Variant Classification Sherloc (09022015). Collection method: clinical testing. Allele origin: germline.
Comment: This sequence change replaces asparagine, which is neutral and polar, with lysine, which is basic and polar, at codon 1137 of the DLC1 protein (p.Asn1137Lys). This variant is present in population databases (rs372027498, gnomAD 0.04%). This variant has not been reported in the literature in individuals affected with DLC1-related conditions. An algorithm developed to predict the effect of missense changes on protein structure and function (PolyPhen-2) suggests that this variant is likely to be tolerated. In summary, the available evidence is currently insufficient to determine the role of this variant in disease. Therefore, it has been classified as a Variant of Uncertain Significance.

Blueprint Genetics
Classification: Uncertain significance. Last evaluated: 2023-09-20. Review status: criteria provided, single submitter. Criteria: ACMG Guidelines, 2015. Collection method: clinical testing. Allele origin: germline.